The following is an entry in ClinVar:

ClinVar aggregate classification (germline): Uncertain significance (1 of 4 stars; one submission).

Conditions:
Dilated cardiomyopathy 1G (CMD1G). Identifiers: Orphanet 154, MedGen C1858763, MONDO:0011400, OMIM 604145.
Autosomal recessive limb-girdle muscular dystrophy type 2J (LGMDR10). Also called: Limb-girdle muscular dystrophy, type 2J; MUSCULAR DYSTROPHY, LIMB-GIRDLE, AUTOSOMAL RECESSIVE 10. Identifiers: Orphanet 140922, MedGen C1837342, MONDO:0012127, OMIM 608807.

gnomAD v4.1: 1 of 1,612,466 alleles (0.000062%); no homozygotes.

Submission:

Labcorp Genetics (formerly Invitae), Labcorp
Classification: Uncertain significance for Dilated cardiomyopathy 1G; Autosomal recessive limb-girdle muscular dystrophy type 2J. Last evaluated: 2020-02-17. Review status: criteria provided, single submitter. Criteria: Invitae Variant Classification Sherloc (09022015). Collection method: clinical testing. Allele origin: germline.
Comment: This sequence change falls in intron 142 of the TTN gene. It does not directly change the encoded amino acid sequence of the TTN protein, but it affects a nucleotide within the consensus splice site of the intron. This variant is not present in population databases (ExAC no frequency). This variant has been observed in individual(s) with clinical features of autosomal recessive congenital myopathy (Invitae). Nucleotide substitutions within the consensus splice site are a relatively common cause of aberrant splicing (PMID: 17576681, 9536098). Algorithms developed to predict the effect of sequence changes on RNA splicing suggest that this variant is not likely to affect RNA splicing, but this prediction has not been confirmed by published transcriptional studies. In summary, the available evidence is currently insufficient to determine the role of this variant in disease. Therefore, it has been classified as a Variant of Uncertain Significance. This variant is located in the I band of TTN (PMID: 25589632). Variants in this region may be relevant for neuromuscular disorders, but have not been definitively shown to cause cardiomyopathy (PMID: 23975875).

Literature cited by the submitters: PubMed 17576681; PubMed 9536098; PubMed 25589632; PubMed 23975875.

NM_001267550.2(TTN):c.33742+5A>C

Gene: TTN (titin; minus strand). Cytogenetic location: 2q31.2.
Variant type: single nucleotide variant.
Coding change: c.33742+5A>C on transcript NM_001267550.2 (MANE Select); 5 bases into the intron after coding-DNA position 33742, A replaced by C.
Molecular consequence: intron variant.
Genome position (GRCh38, 1-based): chr2:178,679,334, T>G on the plus strand (A>C on the coding strand, the complement: TTN is on the minus strand). VCF-style: chr2-178679334-T-G. GRCh37 (hg19) VCF-style: chr2-179544061-T-G.
Other names: c.13283-37017A>C (NM_003319.4); c.13859-37017A>C (NM_133437.4); c.13658-37017A>C (NM_133432.3); c.30010+5A>C (NM_133378.4); c.32791+5A>C (NM_001256850.1).
Identifiers: ClinVar variation 1014802 (VCV001014802.11), dbSNP rs2068798031, ClinGen allele CA1310575888.